The following is an entry in ClinVar:

ClinVar aggregate classification (germline): Uncertain significance (1 of 4 stars; one submission).

gnomAD v4.1: 20 of 1,614,194 alleles (0.0012%); highest among the groups gnomAD compares: Middle Eastern, 0.016%; no homozygotes.

Submission:

Women's Health and Genetics/Laboratory Corporation of America, LabCorp
Classification: Uncertain significance. Last evaluated: 2025-05-21. Review status: criteria provided, single submitter. Criteria: LabCorp Variant Classification Summary - May 2015. Collection method: clinical testing. Allele origin: germline.
Comment: Variant summary: TRIO c.1145C>T (p.Thr382Met) results in a non-conservative amino acid change in the encoded protein sequence. Algorithms developed to predict the effect of missense changes on protein structure and function are either unavailable or do not agree on the potential impact of this missense change. The variant allele was found at a frequency of 4e-06 in 251424 control chromosomes. The available data on variant occurrences in the general population are insufficient to allow any conclusion about variant significance. c.1145C>T has been reported de novo in an individual from a large autism spectrum disorder cohort; however this individual was found to have other de novo variants and no further clinical information or evidence to suggest causality was provided (Fu_2022). Therefore, this report does not provide unequivocal conclusions about association of the variant with TRIO-Related Intellectual Disability. To our knowledge, no experimental evidence demonstrating an impact on protein function has been reported. The following publication has been ascertained in the context of this evaluation (PMID: 35982160). No submitters have cited clinical-significance assessments for this variant to ClinVar. Based on the evidence outlined above, the variant was classified as uncertain significance.

Literature cited by the submitters: PubMed 35982160.

NM_007118.4(TRIO):c.1145C>T (p.Thr382Met)

Gene: TRIO (trio Rho guanine nucleotide exchange factor; plus strand). Cytogenetic location: 5p15.2.
Variant type: single nucleotide variant.
Coding change: c.1145C>T on transcript NM_007118.4 (MANE Select); coding-DNA position 1145, C replaced by T.
Protein change: p.Thr382Met; replaces threonine 382 with methionine.
Molecular consequence: missense variant. On other transcripts: non-coding transcript variant (1).
Genome position (GRCh38, 1-based): chr5:14,293,103, C>T. VCF-style: chr5-14293103-C-T. GRCh37 (hg19) VCF-style: chr5-14293212-C-T.
Other names: short protein forms T382M.
Identifiers: ClinVar variation 3902780 (VCV003902780.1).